The following is an entry in ClinVar:

NM_001326411.2(PISD):c.902A>G (p.His301Arg)

Gene: PISD (phosphatidylserine decarboxylase; minus strand). Cytogenetic location: 22q12.2.
Variant type: single nucleotide variant.
Coding change: c.902A>G on transcript NM_001326411.2 (MANE Select); coding-DNA position 902, A replaced by G.
Protein change: p.His301Arg; replaces histidine 301 with arginine.
Molecular consequence: missense variant. On other transcripts: intron variant (3).
Genome position (GRCh38, 1-based): chr22:31,620,656, T>C on the plus strand (A>G on the coding strand, the complement: PISD is on the minus strand). VCF-style: chr22-31620656-T-C. GRCh37 (hg19) VCF-style: chr22-32016642-T-C.
Other names: c.839A>G, p.His280Arg (NM_001326412.1, NM_001326413.2, NM_001326414.2); c.800A>G, p.His267Arg (NM_001326415.2, NM_001326416.2, NM_001326417.2 and 2 more transcripts); c.722A>G, p.His241Arg (NM_001326418.2); c.844+340A>G (NM_001326421.1); c.665-57A>G (NM_001326420.2); c.743-57A>G (NM_001326419.2); short protein forms H267R, H280R, H241R, H301R.
Identifiers: ClinVar variation 2193147 (VCV002193147.2), dbSNP rs754491430, ClinGen allele CA10194598.

ClinVar aggregate classification (germline): Uncertain significance (1 of 4 stars; one submission).

Allele frequency attached by ClinVar (database versions not stated): ExAC 0.00002; TOPMed 0.00002; gnomAD exomes 0.00005.
gnomAD v4.1: 67 of 1,614,232 alleles (0.0042%); highest among the groups gnomAD compares: Non-Finnish European, 0.0053%; no homozygotes.

Submission:

Labcorp Genetics (formerly Invitae), Labcorp
Classification: Uncertain significance. Last evaluated: 2022-08-30. Review status: criteria provided, single submitter. Criteria: Invitae Variant Classification Sherloc (09022015). Collection method: clinical testing. Allele origin: germline.
Comment: In summary, the available evidence is currently insufficient to determine the role of this variant in disease. Therefore, it has been classified as a Variant of Uncertain Significance. Algorithms developed to predict the effect of missense changes on protein structure and function are either unavailable or do not agree on the potential impact of this missense change (SIFT: "Not Available"; PolyPhen-2: "Possibly Damaging"; Align-GVGD: "Not Available"). This variant has not been reported in the literature in individuals affected with PISD-related conditions. This variant is present in population databases (rs754491430, gnomAD 0.003%). This sequence change replaces histidine, which is basic and polar, with arginine, which is basic and polar, at codon 301 of the PISD protein (p.His301Arg).